The following is an entry in ClinVar:

ClinVar aggregate classification (germline): Uncertain significance. Review status: criteria provided, multiple submitters, no conflicts (2 of 4 stars). 2 submissions from 2 submitters: Uncertain significance (2). Last evaluated 2024-03-24.

Conditions:
X-linked myopathy with excessive autophagy (AVM). Also called: Vacuolar myopathy; Autophagic vacuolar myopathy. Identifiers: Orphanet 25980, MedGen C1839615, MONDO:0010684, OMIM 310440.

gnomAD v4.1: 1 of 1,207,826 alleles (0.000083%); highest among the groups gnomAD compares: Admixed American, 0.0022%; no homozygotes.

Submissions (2):

Labcorp Genetics (formerly Invitae), Labcorp
Classification: Uncertain significance for X-linked myopathy with excessive autophagy. Last evaluated: 2024-03-24. Review status: criteria provided, single submitter. Criteria: Invitae Variant Classification Sherloc (09022015). Collection method: clinical testing. Allele origin: germline.
Comment: This sequence change replaces isoleucine, which is neutral and non-polar, with valine, which is neutral and non-polar, at codon 42 of the VMA21 protein (p.Ile42Val). This variant is present in population databases (no rsID available, gnomAD 0.004%). This variant has not been reported in the literature in individuals affected with VMA21-related conditions. An algorithm developed to predict the effect of missense changes on protein structure and function (PolyPhen-2) suggests that this variant is likely to be tolerated. In summary, the available evidence is currently insufficient to determine the role of this variant in disease. Therefore, it has been classified as a Variant of Uncertain Significance.

Revvity Omics, Revvity
Classification: Uncertain significance for X-linked myopathy with excessive autophagy. Last evaluated: 2023-08-21. Review status: criteria provided, single submitter. Criteria: ACMG Guidelines, 2015. Collection method: clinical testing. Allele origin: germline.

NM_001017980.4(VMA21):c.124A>G (p.Ile42Val)

Gene: VMA21 (vacuolar ATPase assembly factor VMA21; plus strand). Cytogenetic location: Xq28.
Variant type: single nucleotide variant.
Coding change: c.124A>G on transcript NM_001017980.4 (MANE Select); coding-DNA position 124, A replaced by G.
Protein change: p.Ile42Val; replaces isoleucine 42 with valine.
Molecular consequence: missense variant.
Genome position (GRCh38, 1-based): chrX:151,403,701, A>G. VCF-style: chrX-151403701-A-G. GRCh37 (hg19) VCF-style: chrX-150572173-A-G.
Other names: c.289A>G, p.Ile97Val (NM_001363810.1); short protein forms I42V, I97V.
Identifiers: ClinVar variation 3632585 (VCV003632585.3).
Genomic context (GRCh38, chrX:151,403,701, plus strand): 5'-TCATTAGCATCTACACTGAAGACGCTCCTGTTCTTCACAGCTTTAATGATCACTGTTCCT[A>G]TTGGGTTATATTTCACAACTAAATCTTACATATTTGAAGGTAATCTTAGACCCATTAAAA-3'
Protein context (NP_001017980.1, residues 32-52): FFTALMITVP[Ile42Val]GLYFTTKSYI